The following is an entry in ClinVar:

NM_001376.5(DYNC1H1):c.8599A>G (p.Met2867Val)

Gene: DYNC1H1 (dynein cytoplasmic 1 heavy chain 1; plus strand). Cytogenetic location: 14q32.31.
Variant type: single nucleotide variant.
Coding change: c.8599A>G on transcript NM_001376.5 (MANE Select); coding-DNA position 8599, A replaced by G.
Protein change: p.Met2867Val; replaces methionine 2867 with valine.
Molecular consequence: missense variant.
Genome position (GRCh38, 1-based): chr14:102,022,842, A>G. VCF-style: chr14-102022842-A-G. GRCh37 (hg19) VCF-style: chr14-102489179-A-G.
Other names: short protein forms M2867V.
Identifiers: ClinVar variation 1763965 (VCV001763965.8), dbSNP rs1425847473, ClinGen allele CA391007196.

ClinVar aggregate classification (germline): Uncertain significance. Review status: criteria provided, multiple submitters, no conflicts (2 of 4 stars). 2 submissions from 2 submitters: Uncertain significance (2). Last evaluated 2025-10-26.

Conditions:
Inborn genetic diseases. Identifiers: MedGen C0950123, MeSH D030342.
Charcot-Marie-Tooth disease axonal type 2O. Also called: CHARCOT-MARIE-TOOTH NEUROPATHY, AXONAL, TYPE 2O; CHARCOT-MARIE-TOOTH DISEASE, AXONAL, AUTOSOMAL DOMINANT, TYPE 2O; Charcot-Marie-Tooth Neuropathy Type 2O; Charcot-Marie-Tooth disease, axonal, type 20. Identifiers: Orphanet 284232, MedGen C3280220, MONDO:0013644, OMIM 614228.

Allele frequency attached by ClinVar (database versions not stated): TOPMed 0.00002.

Submissions (2):

Labcorp Genetics (formerly Invitae), Labcorp
Classification: Uncertain significance for Charcot-Marie-Tooth disease axonal type 2O. Last evaluated: 2025-10-26. Review status: criteria provided, single submitter. Criteria: Invitae Variant Classification Sherloc (09022015). Collection method: clinical testing. Allele origin: germline.
Comment: This sequence change replaces methionine, which is neutral and non-polar, with valine, which is neutral and non-polar, at codon 2867 of the DYNC1H1 protein (p.Met2867Val). This variant is not present in population databases (gnomAD no frequency). This variant has not been reported in the literature in individuals affected with DYNC1H1-related conditions. ClinVar contains an entry for this variant (Variation ID: 1763965). Invitae Evidence Modeling of protein sequence and biophysical properties (such as structural, functional, and spatial information, amino acid conservation, physicochemical variation, residue mobility, and thermodynamic stability) indicates that this missense variant is not expected to disrupt DYNC1H1 protein function with a negative predictive value of 95%. In summary, the available evidence is currently insufficient to determine the role of this variant in disease. Therefore, it has been classified as a Variant of Uncertain Significance.

Ambry Genetics
Classification: Uncertain significance for Inborn genetic diseases. Last evaluated: 2025-02-20. Review status: criteria provided, single submitter. Criteria: Ambry Variant Classification Scheme 2023. Collection method: clinical testing. Allele origin: germline.